The following is an entry in ClinVar:

NM_001330078.2(NRXN1):c.4176T>A (p.Asp1392Glu)

Gene: NRXN1 (neurexin 1; minus strand). Cytogenetic location: 2p16.3.
Variant type: single nucleotide variant.
Coding change: c.4176T>A on transcript NM_001330078.2 (MANE Select); coding-DNA position 4176, T replaced by A.
Protein change: p.Asp1392Glu; replaces aspartic acid 1392 with glutamic acid.
Molecular consequence: missense variant.
Genome position (GRCh38, 1-based): chr2:49,943,744, A>T on the plus strand (T>A on the coding strand, the complement: NRXN1 is on the minus strand). VCF-style: chr2-49943744-A-T. GRCh37 (hg19) VCF-style: chr2-50170882-A-T.
Other names: c.4296T>A, p.Asp1432Glu (NM_001135659.3); c.81T>A, p.Asp27Glu (NM_001320156.4, NM_001320157.4); c.4152T>A, p.Asp1384Glu (NM_001330077.2, NM_001330082.2); c.4020T>A, p.Asp1340Glu (NM_001330083.2); c.4110T>A, p.Asp1370Glu (NM_001330084.2); c.4149T>A, p.Asp1383Glu (NM_001330085.2); c.4176T>A, p.Asp1392Glu (NM_001330086.2); c.3975T>A, p.Asp1325Glu (NM_001330087.2, NM_001330096.2); and 7 more; short protein forms D1325E, D1335E, D1388E, D1392E, D27E, D1340E, D1384E, D1391E.
Identifiers: ClinVar variation 2082113 (VCV002082113.4), dbSNP rs201135028, ClinGen allele CA346818025.

ClinVar aggregate classification (germline): Uncertain significance (1 of 4 stars; one submission).

Conditions:
Pitt-Hopkins-like syndrome 2 (PTHSL2). Identifiers: Orphanet 221150, Orphanet 600663, MedGen C3280479, MONDO:0013690, OMIM 614325.

Submission:

Labcorp Genetics (formerly Invitae), Labcorp
Classification: Uncertain significance for Pitt-Hopkins-like syndrome 2. Last evaluated: 2022-01-13. Review status: criteria provided, single submitter. Criteria: Invitae Variant Classification Sherloc (09022015). Collection method: clinical testing. Allele origin: germline.
Comment: In summary, the available evidence is currently insufficient to determine the role of this variant in disease. Therefore, it has been classified as a Variant of Uncertain Significance. Algorithms developed to predict the effect of missense changes on protein structure and function are either unavailable or do not agree on the potential impact of this missense change (SIFT: "Tolerated"; PolyPhen-2: "Probably Damaging"; Align-GVGD: "Class C0"). This variant has not been reported in the literature in individuals affected with NRXN1-related conditions. This variant is not present in population databases (gnomAD no frequency). This sequence change replaces aspartic acid, which is acidic and polar, with glutamic acid, which is acidic and polar, at codon 1432 of the NRXN1 protein (p.Asp1432Glu).